The following is an entry in ClinVar:

NM_198578.4(LRRK2):c.2707C>A (p.Leu903Ile)

Gene: LRRK2 (leucine rich repeat kinase 2; plus strand). Cytogenetic location: 12q12.
Variant type: single nucleotide variant.
Coding change: c.2707C>A on transcript NM_198578.4 (MANE Select); coding-DNA position 2707, C replaced by A.
Protein change: p.Leu903Ile; replaces leucine 903 with isoleucine.
Molecular consequence: missense variant.
Genome position (GRCh38, 1-based): chr12:40,293,562, C>A. VCF-style: chr12-40293562-C-A. GRCh37 (hg19) VCF-style: chr12-40687364-C-A.
Other names: short protein forms L903I.
Identifiers: ClinVar variation 3229570 (VCV003229570.1), dbSNP rs866597882, ClinGen allele CA384410650.

ClinVar aggregate classification (germline): Uncertain significance (1 of 4 stars; one submission).

Conditions:
Inborn genetic diseases. Identifiers: MedGen C0950123, MeSH D030342.

Submission:

Ambry Genetics
Classification: Uncertain significance for Inborn genetic diseases. Last evaluated: 2023-11-30. Review status: criteria provided, single submitter. Criteria: Ambry Variant Classification Scheme 2023. Collection method: clinical testing. Allele origin: germline.
Comment: The p.L903I variant (also known as c.2707C>A), located in coding exon 21 of the LRRK2 gene, results from a C to A substitution at nucleotide position 2707. The leucine at codon 903 is replaced by isoleucine, an amino acid with highly similar properties. This amino acid position is conserved. In addition, this alteration is predicted to be tolerated by in silico analysis. Since supporting evidence is limited at this time, the clinical significance of this alteration remains unclear.